The following is an entry in ClinVar:

NM_022552.5(DNMT3A):c.353G>C (p.Gly118Ala)

Gene: DNMT3A (DNA methyltransferase 3 alpha; minus strand). Cytogenetic location: 2p23.3.
Variant type: single nucleotide variant.
Coding change: c.353G>C on transcript NM_022552.5 (MANE Select); coding-DNA position 353, G replaced by C.
Protein change: p.Gly118Ala; replaces glycine 118 with alanine.
Molecular consequence: missense variant. On other transcripts: non-coding transcript variant (1).
Genome position (GRCh38, 1-based): chr2:25,282,536, C>G on the plus strand (G>C on the coding strand, the complement: DNMT3A is on the minus strand). VCF-style: chr2-25282536-C-G. GRCh37 (hg19) VCF-style: chr2-25505405-C-G.
Other names: c.353G>C, p.Gly118Ala (NM_001320892.2, NM_175629.2, NM_175630.1); short protein forms G118A.
Identifiers: ClinVar variation 2629279 (VCV002629279.6), dbSNP rs757173108, ClinGen allele CA1556487.

ClinVar aggregate classification (germline): Conflicting classifications of pathogenicity. Review status: criteria provided, conflicting classifications (1 of 4 stars). 3 submissions from 3 submitters: Uncertain significance (2); Likely benign (1). Last evaluated 2026-05-22.

Conditions:
DNMT3A-related disorder. Also called: DNMT3A-related disorders; DNMT3A-related condition.
Tatton-Brown-Rahman overgrowth syndrome. Also called: Tall stature-intellectual disability-facial dysmorphism syndrome; Tatton-Brown-Rahman syndrome. Identifiers: Orphanet 404443, MedGen C4014545, MONDO:0014382, OMIM 615879.

Allele frequency attached by ClinVar (database versions not stated): gnomAD exomes 0.00002; ExAC 0.00004.
gnomAD v4.1: 13 of 1,613,444 alleles (0.00081%); highest among the groups gnomAD compares: Admixed American, 0.022%; no homozygotes.

Submissions (3):

PreventionGenetics, part of Exact Sciences
Classification: Uncertain significance for DNMT3A-related condition. Last evaluated: 2026-05-22. Review status: criteria provided, single submitter. Criteria: ACMG Guidelines, 2015. Collection method: clinical testing. Allele origin: germline.
Comment: The DNMT3A c.353G>C variant is predicted to result in the amino acid substitution p.Gly118Ala. To our knowledge, this variant has not been reported in the literature. This variant is present in 0.032% of alleles in individuals of Latino descent in gnomAD, which may be too common to be an unreported cause of disease. Although we suspect that this variant may be benign, at this time, the clinical significance of this variant is uncertain due to the absence of conclusive functional and genetic evidence.

Labcorp Genetics (formerly Invitae), Labcorp
Classification: Likely benign for Tatton-Brown-Rahman overgrowth syndrome. Last evaluated: 2025-04-14. Review status: criteria provided, single submitter. Criteria: Invitae Variant Classification Sherloc (09022015). Collection method: clinical testing. Allele origin: germline.

GeneDx
Classification: Uncertain significance. Last evaluated: 2023-04-10. Review status: criteria provided, single submitter. Criteria: GeneDx Variant Classification Process June 2021. Collection method: clinical testing. Allele origin: germline. Affected: yes.
Comment: In silico analysis supports that this missense variant has a deleterious effect on protein structure/function; Has not been previously published as pathogenic or benign to our knowledge